The following is an entry in ClinVar:

ClinVar aggregate classification (germline): Uncertain significance. Review status: criteria provided, multiple submitters, no conflicts (2 of 4 stars). 2 submissions from 2 submitters: Uncertain significance (2). Last evaluated 2024-09-04.

Conditions:
Inborn genetic diseases. Identifiers: MedGen C0950123, MeSH D030342.

Allele frequency attached by ClinVar (database versions not stated): ExAC 0.00001; TOPMed 0.00005.
gnomAD v4.1: 5 of 1,614,092 alleles (0.00031%); highest among the groups gnomAD compares: African/African-American, 0.0067%; no homozygotes.

Submissions (2):

Ambry Genetics
Classification: Uncertain significance for Inborn genetic diseases. Last evaluated: 2024-09-04. Review status: criteria provided, single submitter. Criteria: Ambry Variant Classification Scheme 2023. Collection method: clinical testing. Allele origin: germline.

Labcorp Genetics (formerly Invitae), Labcorp
Classification: Uncertain significance. Last evaluated: 2023-11-24. Review status: criteria provided, single submitter. Criteria: Invitae Variant Classification Sherloc (09022015). Collection method: clinical testing. Allele origin: germline.
Comment: This sequence change replaces arginine, which is basic and polar, with serine, which is neutral and polar, at codon 718 of the ALPK1 protein (p.Arg718Ser). This variant is present in population databases (rs771984525, gnomAD 0.007%). This variant has not been reported in the literature in individuals affected with ALPK1-related conditions. Advanced modeling of protein sequence and biophysical properties (such as structural, functional, and spatial information, amino acid conservation, physicochemical variation, residue mobility, and thermodynamic stability) performed at Invitae indicates that this missense variant is not expected to disrupt ALPK1 protein function with a negative predictive value of 80%. In summary, the available evidence is currently insufficient to determine the role of this variant in disease. Therefore, it has been classified as a Variant of Uncertain Significance.

NM_025144.4(ALPK1):c.2152C>A (p.Arg718Ser)

Gene: ALPK1 (alpha kinase 1; plus strand). Cytogenetic location: 4q25.
Variant type: single nucleotide variant.
Coding change: c.2152C>A on transcript NM_025144.4 (MANE Select); coding-DNA position 2152, C replaced by A.
Protein change: p.Arg718Ser; replaces arginine 718 with serine.
Molecular consequence: missense variant.
Genome position (GRCh38, 1-based): chr4:112,431,699, C>A. VCF-style: chr4-112431699-C-A. GRCh37 (hg19) VCF-style: chr4-113352855-C-A.
Other names: c.2152C>A (NM_025144.3); c.2152C>A, p.Arg718Ser (NM_001102406.2); c.1918C>A, p.Arg640Ser (NM_001253884.2); short protein forms R640S, R718S.
Identifiers: ClinVar variation 2874859 (VCV002874859.4), dbSNP rs771984525, ClinGen allele CA3046865.